The following is an entry in ClinVar:

NM_007347.5(AP4E1):c.787T>G (p.Phe263Val)

Gene: AP4E1 (adaptor related protein complex 4 subunit epsilon 1; plus strand). Cytogenetic location: 15q21.2.
Variant type: single nucleotide variant.
Coding change: c.787T>G on transcript NM_007347.5 (MANE Select); coding-DNA position 787, T replaced by G.
Protein change: p.Phe263Val; replaces phenylalanine 263 with valine.
Molecular consequence: missense variant.
Genome position (GRCh38, 1-based): chr15:50,930,889, T>G. VCF-style: chr15-50930889-T-G. GRCh37 (hg19) VCF-style: chr15-51223086-T-G.
Other names: p.Phe263Val; c.562T>G, p.Phe188Val (NM_001252127.2); short protein forms F188V, F263V.
Identifiers: ClinVar variation 4541949 (VCV004541949.1).

ClinVar aggregate classification (germline): Uncertain significance (1 of 4 stars; one submission).

gnomAD v4.1: 5 of 1,614,162 alleles (0.00031%); highest among the groups gnomAD compares: Non-Finnish European, 0.00034%; no homozygotes.

Submission:

Mayo Clinic Laboratories, Mayo Clinic
Classification: Uncertain significance. Last evaluated: 2025-09-22. Review status: criteria provided, single submitter. Criteria: ACMG Guidelines, 2015. Collection method: clinical testing. Allele origin: germline. Observed: 1 variant allele.
Comment: PM2_supporting